The following is an entry in ClinVar:

NM_173651.4(FSIP2):c.17653A>C (p.Lys5885Gln)

Gene: FSIP2 (fibrous sheath interacting protein 2; plus strand). Cytogenetic location: 2q32.1.
Variant type: single nucleotide variant.
Coding change: c.17653A>C on transcript NM_173651.4 (MANE Select); coding-DNA position 17653, A replaced by C.
Protein change: p.Lys5885Gln; replaces lysine 5885 with glutamine.
Molecular consequence: missense variant.
Genome position (GRCh38, 1-based): chr2:185,806,959, A>C. VCF-style: chr2-185806959-A-C. GRCh37 (hg19) VCF-style: chr2-186671686-A-C.
Other names: short protein forms K5885Q.
Identifiers: ClinVar variation 3040932 (VCV003040932.3), dbSNP rs373057979, ClinGen allele CA2017437.

ClinVar aggregate classification (germline): Likely benign. Review status: criteria provided, single submitter (1 of 4 stars). 2 submissions from 2 submitters: Likely benign (1). 1 of the submissions does not count toward it. Last evaluated 2024-10-01.

Conditions:
FSIP2-related disorder. Also called: FSIP2-related condition.

Allele frequency attached by ClinVar (database versions not stated): TOPMed 0.00010; gnomAD 0.00044; gnomAD exomes 0.00068; ExAC 0.00188; 1000 Genomes Project 30x 0.00203; 1000 Genomes Project 0.00260.
gnomAD v4.1: 1,082 of 1,611,344 alleles (0.067%); highest among the groups gnomAD compares: South Asian, 1.1%; 10 homozygotes.

Submissions (2):

Blueprint Genetics
Classification: Likely benign. Last evaluated: 2024-10-01. Review status: criteria provided, single submitter. Criteria: ACMG Guidelines, 2015. Collection method: clinical testing. Allele origin: germline.

PreventionGenetics, part of Exact Sciences
Classification: Benign for FSIP2-related condition. Last evaluated: 2019-10-28. Review status: no assertion criteria provided. Collection method: clinical testing. Allele origin: germline. Not counted in ClinVar's aggregate classification.
Comment: This variant is classified as benign based on ACMG/AMP sequence variant interpretation guidelines (Richards et al. 2015 PMID: 25741868, with internal and published modifications).